The following is an entry in ClinVar:

NM_000545.8(HNF1A):c.1087C>G (p.Leu363Val)

Gene: HNF1A (HNF1 homeobox A; plus strand). Cytogenetic location: 12q24.31.
Variant type: single nucleotide variant.
Coding change: c.1087C>G on transcript NM_000545.8 (MANE Select); coding-DNA position 1087, C replaced by G.
Protein change: p.Leu363Val; replaces leucine 363 with valine.
Molecular consequence: missense variant.
Genome position (GRCh38, 1-based): chr12:120,996,393, C>G. VCF-style: chr12-120996393-C-G. GRCh37 (hg19) VCF-style: chr12-121434196-C-G.
Other names: c.1087C>G, p.Leu363Val (NM_001306179.2, NM_001406915.1); short protein forms L363V.
Identifiers: ClinVar variation 2163389 (VCV002163389.4), dbSNP rs1179500232, ClinGen allele CA386968550.

ClinVar aggregate classification (germline): Uncertain significance (1 of 4 stars; one submission).

Allele frequency attached by ClinVar (database versions not stated): TOPMed 0.00001; gnomAD 0.00003.
gnomAD v4.1: 4 of 1,614,098 alleles (0.00025%); highest among the groups gnomAD compares: African/African-American, 0.0053%; no homozygotes.

Submission:

Labcorp Genetics (formerly Invitae), Labcorp
Classification: Uncertain significance. Last evaluated: 2022-03-12. Review status: criteria provided, single submitter. Criteria: Invitae Variant Classification Sherloc (09022015). Collection method: clinical testing. Allele origin: germline.
Comment: In summary, the available evidence is currently insufficient to determine the role of this variant in disease. Therefore, it has been classified as a Variant of Uncertain Significance. Algorithms developed to predict the effect of sequence changes on RNA splicing suggest that this variant may disrupt the consensus splice site. Advanced modeling of protein sequence and biophysical properties (such as structural, functional, and spatial information, amino acid conservation, physicochemical variation, residue mobility, and thermodynamic stability) performed at Invitae indicates that this missense variant is expected to disrupt HNF1A protein function. This variant has not been reported in the literature in individuals affected with HNF1A-related conditions. This variant is present in population databases (no rsID available, gnomAD 0.01%). This sequence change replaces leucine, which is neutral and non-polar, with valine, which is neutral and non-polar, at codon 363 of the HNF1A protein (p.Leu363Val).